The following is an entry in ClinVar:

NM_006662.3(SRCAP):c.4040C>T (p.Thr1347Met)

Gene: SRCAP (Snf2 related CREBBP activator protein; plus strand). Cytogenetic location: 16p11.2.
Variant type: single nucleotide variant.
Coding change: c.4040C>T on transcript NM_006662.3 (MANE Select); coding-DNA position 4040, C replaced by T.
Protein change: p.Thr1347Met; replaces threonine 1347 with methionine.
Molecular consequence: missense variant.
Genome position (GRCh38, 1-based): chr16:30,723,110, C>T. VCF-style: chr16-30723110-C-T. GRCh37 (hg19) VCF-style: chr16-30734431-C-T.
Other names: short protein forms T1347M.
Identifiers: ClinVar variation 2183540 (VCV002183540.4), dbSNP rs139402766, ClinGen allele CA8011650.
Genomic context (GRCh38, chr16:30,723,110, plus strand): 5'-TGGCCCCAGCACCCCGGCCTCCGAGCTCTGGGCTTCCAGCTGTGTTGAATCCACGCCCCA[C>T]GTTAACCCCTGGCCGGCTACCCACACCTACTCTGGGTACTGCTCGAGCCCCCATGCCCAC-3'
Protein context (NP_006653.2, residues 1337-1357): GLPAVLNPRP[Thr1347Met]LTPGRLPTPT

ClinVar aggregate classification (germline): Uncertain significance (1 of 4 stars; one submission).

Allele frequency attached by ClinVar (database versions not stated): gnomAD 0.00002; TOPMed 0.00002; ExAC 0.00006; ESP Exome Variant Server 0.00015.
gnomAD v4.1: 24 of 1,613,994 alleles (0.0015%); highest among the groups gnomAD compares: South Asian, 0.0055%; no homozygotes.

Submission:

Labcorp Genetics (formerly Invitae), Labcorp
Classification: Uncertain significance. Last evaluated: 2025-08-09. Review status: criteria provided, single submitter. Criteria: Invitae Variant Classification Sherloc (09022015). Collection method: clinical testing. Allele origin: germline.
Comment: This sequence change replaces threonine, which is neutral and polar, with methionine, which is neutral and non-polar, at codon 1347 of the SRCAP protein (p.Thr1347Met). This variant is present in population databases (rs139402766, gnomAD 0.01%). This variant has not been reported in the literature in individuals affected with SRCAP-related conditions. ClinVar contains an entry for this variant (Variation ID: 2183540). Invitae Evidence Modeling of protein sequence and biophysical properties (such as structural, functional, and spatial information, amino acid conservation, physicochemical variation, residue mobility, and thermodynamic stability) indicates that this missense variant is not expected to disrupt SRCAP protein function with a negative predictive value of 80%. In summary, the available evidence is currently insufficient to determine the role of this variant in disease. Therefore, it has been classified as a Variant of Uncertain Significance.